The following is an entry in ClinVar:

ClinVar aggregate classification (germline): Likely benign (0 of 4 stars; one submission).

Conditions:
FLNB-related disorder. Also called: FLNB-related disorders; FLNB-related condition. Identifiers: MedGen CN381095.

Submission:

PreventionGenetics, part of Exact Sciences
Classification: Likely benign for FLNB-related condition. Last evaluated: 2020-09-08. Review status: no assertion criteria provided. Collection method: clinical testing. Allele origin: germline.
Comment: This variant is classified as likely benign based on ACMG/AMP sequence variant interpretation guidelines (Richards et al. 2015 PMID: 25741868, with internal and published modifications).

NM_001457.4(FLNB):c.7021+10A>C

Gene: FLNB (filamin B; plus strand). Cytogenetic location: 3p14.3.
Variant type: single nucleotide variant.
Coding change: c.7021+10A>C on transcript NM_001457.4 (MANE Select); 10 bases into the intron after coding-DNA position 7021, A replaced by C.
Molecular consequence: intron variant.
Genome position (GRCh38, 1-based): chr3:58,159,696, A>C. VCF-style: chr3-58159696-A-C. GRCh37 (hg19) VCF-style: chr3-58145423-A-C.
Other names: c.7114+10A>C (NM_001164317.2); c.6988+10A>C (NM_001164318.2); c.6949+10A>C (NM_001164319.2).
Identifiers: ClinVar variation 3045651 (VCV003045651.2), dbSNP rs2471242419, ClinGen allele CA2666270429.
Genomic context (GRCh38, chr3:58,159,696, plus strand): 5'-ACAGCCCCTCTGGAGCCGTGGAGGAGTGCCACGTGTCTGAGCTGGAGCCAGGTGAGCAGG[A>C]GGCCTGCTGGGGGGTCCCAGCACCAGCACTTTCCAGCAGAATGTTCCTGTAAATGTGTGT-3'